The following is an entry in ClinVar:

NC_000015.10:g.23565518G>A

Gene: MKRN3 (makorin ring finger protein 3; plus strand). Cytogenetic location: 15q11.2.
Variant type: single nucleotide variant.
Genome position: GRCh38 VCF-style: chr15-23565518-G-A. GRCh37 (hg19) VCF-style: chr15-23810665-G-A.
Identifiers: ClinVar variation 2644973 (VCV002644973.22), dbSNP rs188505875, ClinGen allele CA267639628.

ClinVar aggregate classification (germline): Benign (1 of 4 stars; one submission).

Allele frequency attached by ClinVar (database versions not stated): 1000 Genomes Project 0.00140; 1000 Genomes Project 30x 0.00172.

Submission:

CeGaT Center for Human Genetics Tuebingen
Classification: Benign. Last evaluated: 2026-09-01. Review status: criteria provided, single submitter. Criteria: CeGaT Center For Human Genetics Tuebingen Variant Classification Criteria Version 2. Collection method: clinical testing. Allele origin: germline. Affected: yes. Observed: 27 variant alleles.
Comment: MKRN3: BS1, BS2